The following is an entry in ClinVar:

ClinVar aggregate classification (germline): Pathogenic. Review status: criteria provided, multiple submitters, no conflicts (2 of 4 stars). 2 submissions from 2 submitters: Pathogenic (2). Last evaluated 2021-05-03.

Conditions:
Hereditary cancer-predisposing syndrome. Also called: Hereditary neoplastic syndrome; Tumor predisposition; Neoplastic Syndromes, Hereditary; Hereditary Cancer Syndrome. Identifiers: Orphanet 140162, MedGen C0027672, MeSH D009386, MONDO:0015356.

Submissions (2):

Ambry Genetics
Classification: Pathogenic for Hereditary cancer-predisposing syndrome. Last evaluated: 2021-05-03. Review status: criteria provided, single submitter. Criteria: Ambry Variant Classification Scheme 2023. Collection method: clinical testing. Allele origin: germline.
Comment: The c.6273_6274insA pathogenic mutation, located in coding exon 10 of the BRCA2 gene, results from an insertion of one nucleotide at position 6273, causing a translational frameshift with a predicted alternate stop codon (p.L2092Tfs*8). This alteration is expected to result in loss of function by premature protein truncation or nonsense-mediated mRNA decay. As such, this alteration is interpreted as a disease-causing mutation.

GeneDx
Classification: Pathogenic. Last evaluated: 2016-07-26. Review status: criteria provided, single submitter. Criteria: GeneDx Variant Classification (06012015). Collection method: clinical testing. Allele origin: germline. Affected: yes.
Comment: This insertion of one nucleotide in BRCA2 is denoted c.6273_6274insA at the cDNA level and p.Leu2092ThrfsX8 (L2092TfsX8) at the protein level. Using alternate nomenclature, this variant would be defined as BRCA2 6501_6502insA. The normal sequence, with the base that is inserted in braces, is TAGT[A]CTTC. The insertion causes a frameshift, which changes a Leucine to a Threonine at codon 2092, and creates a premature stop codon at position 8 of the new reading frame. Although this variant has not, to our knowledge, been reported in the literature, it is predicted to cause loss of normal protein function through either protein truncation or nonsense-mediated mRNA decay. We consider this variant to be pathogenic.

NM_000059.4(BRCA2):c.6273_6274insA (p.Leu2092fs)

Gene: BRCA2 (BRCA2 DNA repair associated; plus strand). Cytogenetic location: 13q13.1.
Variant type: Insertion.
Coding change: c.6273_6274insA on transcript NM_000059.4 (MANE Select); coding-DNA positions 6273 to 6274, A inserted.
Protein change: p.Leu2092fs; shifts the reading frame from leucine 2092.
Molecular consequence: frameshift variant.
Genome position: GRCh38 VCF-style: chr13-32340628-T-TA. GRCh37 (hg19) VCF-style: chr13-32914765-T-TA.
Other names: short protein forms L2092fs.
Identifiers: ClinVar variation 419418 (VCV000419418.4), dbSNP rs1064793860, ClinGen allele CA16619740.
Genomic context (GRCh38, chr13:32,340,628, plus strand): 5'-TTCCTTACACAAAGTTAAGGGAGTGTTAGAGGAATTTGATTTAATCAGAACTGAGCATAG[T>TA]CTTCACTATTCACCTACGTCTAGACAAAATGTATCAAAAATACTTCCTCGTGTTGATAAG-3'